The following is an entry in ClinVar:

NM_000693.4(ALDH1A3):c.1444del (p.Met482fs)

Genes: ALDH1A3 (aldehyde dehydrogenase 1 family member A3; plus strand), ALDH1A3-AS1 (ALDH1A3 antisense RNA 1; minus strand). Cytogenetic location: 15q26.3.
Variant type: Deletion.
Coding change: c.1444del on transcript NM_000693.4 (MANE Select); coding-DNA position 1444, one base deleted (A; older notation c.1444delA).
Protein change: p.Met482fs; shifts the reading frame from methionine 482.
Molecular consequence: frameshift variant.
Genome position (GRCh38, 1-based): chr15:100,908,460, A deleted; the last of 4 consecutive A bases (chr15:100,908,457-100,908,460); deleting any one gives the same sequence. VCF-style (leftmost placement, unchanged base first): chr15-100908456-TA-T. GRCh37 (hg19) VCF-style: chr15-101448661-TA-T.
Other names: c.1123del, p.Met375fs (NM_001293815.2); short protein forms M375fs, M482fs.
Identifiers: ClinVar variation 1701914 (VCV001701914.3), dbSNP rs2041848486, ClinGen allele CA2580089779.

ClinVar aggregate classification (germline): Pathogenic (1 of 4 stars; one submission).

Conditions:
Microphthalmia. Also called: Microphthalmos. Identifiers: MedGen C0026010, MONDO:0021129, HP:0000568.

Submission:

Madar Genetics Lab, Lorestan University of Medical Sciences
Classification: Pathogenic for Microphthalmia. Last evaluated: 2022-08-20. Review status: criteria provided, single submitter. Criteria: ACMG Guidelines, 2015. Collection method: clinical testing. Allele origin: inherited. Inheritance: Autosomal recessive inheritance. Affected: yes. Observed: 1 homozygote.
Comment: Up to date, only two frameshift mutations, c.172dup (p. Glu58Glyfs*5) and c.1310_1311delAT (p.Tyr437Trpfs*44), have been previously reported in ALDH1A3 causing anophthalmia both in Pakistani population(Lin et al., 2018; Ullah et al., 2016). Human ALDH1A3 protein consists of three highly-conserved functional domains including the N-terminal NAD binding domain, the catalytic domain and the oligomerization domain after folding in the form of a tetramer (Moretti et al., 2016). Nevertheless, each single monomer can catalyze the retinal oxidation. Totally, 13 α-helices, 19 β-sheets and the connecting coils build up these domains. Featured by β12-β13 and β15-β18, the catalytic domain comprises β12 G283–M482, while the oligomerization domain is built by K150–P170 and S483–L507 forming a three-stranded antiparallel β-sheet (β5-β6 and β15) (Moretti et al., 2016). The ALDH1A3 gene contains 13 exons(Hsu et al., 1994), and in the present study, the c.1441delA (p.M482Cfs*8) variant has been identified in exon 12 of ALDH1A3. Met482 is the last amino acid of catalytic domain which is immediately continued by oligomeration domain (S483-L507)(Lin et al., 2018). The variant p.M482Cfs*8 may entirely disrupt the oligomeration domain.

Literature cited by the submitters: DOI 10.1016/j.exer.2016.03.014.